The following is an entry in ClinVar:

NM_006767.4(LZTR1):c.277A>C (p.Asn93His)

Gene: LZTR1 (leucine zipper like post translational regulator 1; plus strand). Cytogenetic location: 22q11.21.
Variant type: single nucleotide variant.
Coding change: c.277A>C on transcript NM_006767.4 (MANE Select); coding-DNA position 277, A replaced by C.
Protein change: p.Asn93His; replaces asparagine 93 with histidine.
Molecular consequence: missense variant.
Genome position (GRCh38, 1-based): chr22:20,985,854, A>C. VCF-style: chr22-20985854-A-C. GRCh37 (hg19) VCF-style: chr22-21340143-A-C.
Other names: short protein forms N93H.
Identifiers: ClinVar variation 5023743 (VCV005023743.1).

ClinVar aggregate classification (germline): Uncertain significance (1 of 4 stars; one submission).

Conditions:
Cardiovascular phenotype. Identifiers: MedGen CN230736.
Hereditary cancer-predisposing syndrome. Also called: Neoplastic Syndromes, Hereditary; Tumor predisposition; Hereditary neoplastic syndrome; Hereditary Cancer Syndrome. Identifiers: Orphanet 140162, MedGen C0027672, MeSH D009386, MONDO:0015356.

Submission:

Ambry Genetics
Classification: Uncertain significance for Cardiovascular phenotype; Hereditary cancer-predisposing syndrome. Last evaluated: 2026-06-15. Review status: criteria provided, single submitter. Criteria: Ambry Variant Classification Scheme 2023. Collection method: clinical testing. Allele origin: germline.
Comment: The p.N93H variant (also known as c.277A>C), located in coding exon 3 of the LZTR1 gene, results from an A to C substitution at nucleotide position 277. The asparagine at codon 93 is replaced by histidine, an amino acid with similar properties. This amino acid position is conserved. In addition, the in silico prediction for this alteration is inconclusive. Based on the available evidence, the clinical significance of this variant remains unclear.